The following is an entry in ClinVar:

NC_000004.11:g.(?_493125)_(533158_?)dup

Genes: PIGG (phosphatidylinositol glycan anchor biosynthesis class G (EMM blood group); plus strand), ZNF721 (zinc finger protein 721; minus strand). Cytogenetic location: 4p16.3.
Variant type: Duplication.
Identifiers: ClinVar variation 3246694 (VCV003246694.1).

ClinVar aggregate classification (germline): Uncertain significance (1 of 4 stars; one submission).

Conditions:
Intellectual disability, autosomal recessive 53 (NEDHSCA). Also called: NEURODEVELOPMENTAL DISORDER WITH OR WITHOUT HYPOTONIA, SEIZURES, AND CEREBELLAR ATROPHY; Mental retardation, autosomal recessive 53; GLYCOSYLPHOSPHATIDYLINOSITOL BIOSYNTHESIS DEFECT 13. Identifiers: Orphanet 488635, MedGen C4310794, MONDO:0014832, OMIM 616917.

Submission:

Labcorp Genetics (formerly Invitae), Labcorp
Classification: Uncertain significance for Intellectual disability, autosomal recessive 53. Last evaluated: 2023-11-20. Review status: criteria provided, single submitter. Criteria: Invitae Variant Classification Sherloc (09022015). Collection method: clinical testing. Allele origin: unknown.
Comment: A copy number gain of the genomic region encompassing the full coding sequence of the PIGG gene has been identified. The boundaries of this event are unknown as they extend beyond the assayed region for this gene and therefore may encompass additional genes. As the precise location of this event is unknown, it may be in tandem or it may be located elsewhere in the genome. This variant has not been reported in the literature in individuals affected with PIGG-related conditions. In summary, the available evidence is currently insufficient to determine the role of this variant in disease. Therefore, it has been classified as a Variant of Uncertain Significance.